The following is an entry in ClinVar:

ClinVar aggregate classification (germline): Uncertain significance (1 of 4 stars; one submission).

Conditions:
Ataxia-telangiectasia syndrome (AT). Also called: LOUIS-BAR SYNDROME; Ataxia telangiectasia (A-T); Cerebello-oculocutaneous telangiectasia; Immunodeficiency with ataxia telangiectasia; ATAXIA-TELANGIECTASIA, COMPLEMENTATION GROUP A; ATAXIA-TELANGIECTASIA, FRESNO VARIANT. Identifiers: Orphanet 100, MedGen C0004135, MONDO:0008840, OMIM 208900.

Submission:

Labcorp Genetics (formerly Invitae), Labcorp
Classification: Uncertain significance for Ataxia-telangiectasia syndrome. Last evaluated: 2023-10-22. Review status: criteria provided, single submitter. Criteria: Invitae Variant Classification Sherloc (09022015). Collection method: clinical testing. Allele origin: germline.
Comment: This sequence change replaces alanine, which is neutral and non-polar, with glutamic acid, which is acidic and polar, at codon 112 of the ATM protein (p.Ala112Glu). This variant is not present in population databases (gnomAD no frequency). This missense change has been observed in individual(s) with breast cancer (PMID: 35264596). ClinVar contains an entry for this variant (Variation ID: 952918). An algorithm developed to predict the effect of missense changes on protein structure and function (PolyPhen-2) suggests that this variant is likely to be disruptive. In summary, the available evidence is currently insufficient to determine the role of this variant in disease. Therefore, it has been classified as a Variant of Uncertain Significance.

Literature cited by the submitters: PubMed 35264596.

NM_000051.4(ATM):c.335C>A (p.Ala112Glu)

Gene: ATM (ATM serine/threonine kinase; plus strand). Cytogenetic location: 11q22.3.
Variant type: single nucleotide variant.
Coding change: c.335C>A on transcript NM_000051.4 (MANE Select); coding-DNA position 335, C replaced by A.
Protein change: p.Ala112Glu; replaces alanine 112 with glutamic acid.
Molecular consequence: missense variant.
Genome position (GRCh38, 1-based): chr11:108,235,673, C>A. VCF-style: chr11-108235673-C-A. GRCh37 (hg19) VCF-style: chr11-108106400-C-A.
Other names: c.335C>A, p.Ala112Glu (NM_001351834.2); short protein forms A112E.
Identifiers: ClinVar variation 952918 (VCV000952918.9), dbSNP rs1591474358, ClinGen allele CA382524416.